The following is an entry in ClinVar:

ClinVar aggregate classification (germline): Pathogenic/Likely pathogenic. Review status: criteria provided, multiple submitters, no conflicts (2 of 4 stars). 3 submissions from 3 submitters: Pathogenic (2); Likely pathogenic (1). Last evaluated 2025-08-29.

Conditions:
Charlevoix-Saguenay spastic ataxia (SACS). Also called: SPASTIC ATAXIA 6, AUTOSOMAL RECESSIVE; AUTOSOMAL RECESSIVE SPASTIC ATAXIA OF CHARLEVOIX-SAGUENAY; Spastic ataxia of Charlevoix-Saguenay. Identifiers: Orphanet 98, MedGen C1849140, MONDO:0010041, OMIM 270550.
Spastic paraplegia. Identifiers: MedGen C0037772, HP:0001258.

Submissions (3):

Myriad Genetics, Inc.
Classification: Pathogenic for Charlevoix-Saguenay spastic ataxia. Last evaluated: 2025-08-29. Review status: criteria provided, single submitter. Criteria: Myriad Autosomal Dominant, Autosomal Recessive and X-Linked Classification Criteria (2023). Collection method: clinical testing. Allele origin: unknown.
Comment: NM_014363.4(SACS):c.3130C>T(Q1044*) is a nonsense variant classified as pathogenic in the context of autosomal recessive spastic ataxia of Charlevoix-Saguenay. Q1044* has not been observed in cases with relevant disease. Relevant functional assessments of this variant are not available in the literature. Q1044* has not been observed in referenced population frequency databases. In summary, NM_014363.4(SACS):c.3130C>T(Q1044*) is a nonsense variant in a gene where loss of function is a known mechanism of disease and is predicted to disrupt protein function. Please note: this variant was assessed in the context of healthy population screening.

Baylor Genetics
Classification: Likely pathogenic for Charlevoix-Saguenay spastic ataxia. Last evaluated: 2023-01-07. Review status: criteria provided, single submitter. Criteria: ACMG Guidelines, 2015. Collection method: clinical testing. Allele origin: unknown.

Labcorp Genetics (formerly Invitae), Labcorp
Classification: Pathogenic for Spastic paraplegia. Last evaluated: 2022-11-30. Review status: criteria provided, single submitter. Criteria: Invitae Variant Classification Sherloc (09022015). Collection method: clinical testing. Allele origin: germline.
Comment: For these reasons, this variant has been classified as Pathogenic. This variant disrupts a region of the SACS protein in which other variant(s) (p.Asn4549Asp) have been determined to be pathogenic (PMID: 15156359, 21507954). This suggests that this is a clinically significant region of the protein, and that variants that disrupt it are likely to be disease-causing. This variant has not been reported in the literature in individuals affected with SACS-related conditions. This variant is not present in population databases (gnomAD no frequency). This sequence change creates a premature translational stop signal (p.Gln1044*) in the SACS gene. While this is not anticipated to result in nonsense mediated decay, it is expected to disrupt the last 3536 amino acid(s) of the SACS protein.

Literature cited by the submitters: PubMed 15156359 (cited by Labcorp Genetics (formerly Invitae), Labcorp); PubMed 21507954 (cited by Labcorp Genetics (formerly Invitae), Labcorp).

NM_014363.6(SACS):c.3130C>T (p.Gln1044Ter)

Gene: SACS (sacsin molecular chaperone; minus strand). Cytogenetic location: 13q12.12.
Variant type: single nucleotide variant.
Coding change: c.3130C>T on transcript NM_014363.6 (MANE Select); coding-DNA position 3130, C replaced by T.
Protein change: p.Gln1044Ter; replaces glutamine 1044 with a stop codon.
Molecular consequence: nonsense.
Genome position (GRCh38, 1-based): chr13:23,340,746, G>A on the plus strand (C>T on the coding strand, the complement: SACS is on the minus strand). VCF-style: chr13-23340746-G-A. GRCh37 (hg19) VCF-style: chr13-23914885-G-A.
Other names: c.2689C>T, p.Gln897Ter (NM_001278055.2); short protein forms Q1044*, Q897*.
Identifiers: ClinVar variation 2678571 (VCV002678571.5), dbSNP rs2542300877, ClinGen allele CA387536722.